The following is an entry in ClinVar:

ClinVar aggregate classification (germline): Conflicting classifications of pathogenicity. Review status: criteria provided, conflicting classifications (1 of 4 stars). 3 submissions from 3 submitters: Uncertain significance (2); Likely benign (1). Last evaluated 2023-03-23.

Conditions:
Hereditary cancer-predisposing syndrome. Also called: Neoplastic Syndromes, Hereditary; Tumor predisposition; Hereditary Cancer Syndrome; Hereditary neoplastic syndrome. Identifiers: Orphanet 140162, MedGen C0027672, MeSH D009386, MONDO:0015356.

Submissions (3):

University of Washington Department of Laboratory Medicine, University of Washington
Classification: Likely benign for Hereditary cancer-predisposing syndrome. Last evaluated: 2023-03-23. Review status: criteria provided, single submitter. Criteria: Dines et al. (Genet Med. 2020). Collection method: curation. Allele origin: germline.
Comment: Missense variant in a coldspot region where missense variants are very unlikely to be pathogenic (PMID:31911673).

BRCA2 exon 11 coldspot. Reclassification based on statistical prior probability.

Color Diagnostics, LLC DBA Color Health
Classification: Uncertain significance for Hereditary cancer-predisposing syndrome. Last evaluated: 2020-03-16. Review status: criteria provided, single submitter. Criteria: ACMG Guidelines, 2015. Collection method: clinical testing. Allele origin: germline.
Comment: This missense variant replaces leucine with phenylalanine at codon 2106 of the BRCA2 protein. Computational prediction suggests that this variant may not impact protein structure and function (internally defined REVEL score threshold <= 0.5, PMID: 27666373). Splice site prediction tools suggest that this variant may not impact RNA splicing. To our knowledge, functional studies have not been reported for this variant. This variant has not been reported in individuals affected with hereditary cancer in the literature. This variant has not been identified in the general population by the Genome Aggregation Database (gnomAD). The available evidence is insufficient to determine the role of this variant in disease conclusively. Therefore, this variant is classified as a Variant of Uncertain Significance.

Ambry Genetics
Classification: Uncertain significance for Hereditary cancer-predisposing syndrome. Last evaluated: 2015-09-29. Review status: criteria provided, single submitter. Criteria: Ambry Variant Classification Scheme 2023. Collection method: clinical testing. Allele origin: germline.
Comment: The p.L2106F variant (also known as c.6316C>T), located in coding exon 10 of the BRCA2 gene, results from a C to T substitution at nucleotide position 6316. The leucine at codon 2106 is replaced by phenylalanine, an amino acid with highly similar properties. This variant was not reported in population based cohorts in the following databases: Database of Single Nucleotide Polymorphisms (dbSNP), NHLBI Exome Sequencing Project (ESP), and 1000 Genomes Project. In the ESP, this variant was not observed in 6501 samples (13002 alleles) with coverage at this position. To date, this alteration has been detected with an allele frequency of approximately 0.001% (greater than 150000 alleles tested) in our clinical cohort. This amino acid position is poorly conserved in available vertebrate species. In addition, this alteration is predicted to be possibly damaging and tolerated by PolyPhen and SIFT in silico analyses, respectively. Since supporting evidence is limited at this time, the clinical significance of p.L2106F remains unclear.

NM_000059.4(BRCA2):c.6316C>T (p.Leu2106Phe)

Gene: BRCA2 (BRCA2 DNA repair associated; plus strand). Cytogenetic location: 13q13.1.
Variant type: single nucleotide variant.
Coding change: c.6316C>T on transcript NM_000059.4 (MANE Select); coding-DNA position 6316, C replaced by T.
Protein change: p.Leu2106Phe; replaces leucine 2106 with phenylalanine.
Molecular consequence: missense variant.
Genome position (GRCh38, 1-based): chr13:32,340,671, C>T. VCF-style: chr13-32340671-C-T. GRCh37 (hg19) VCF-style: chr13-32914808-C-T.
Other names: short protein forms L2106F.
Identifiers: ClinVar variation 234160 (VCV000234160.10), dbSNP rs876660892, ClinGen allele CA10579687.